The following is an entry in ClinVar:

NM_153676.4(USH1C):c.496+13A>G

Gene: USH1C (USH1 protein network component harmonin; minus strand). Cytogenetic location: 11p15.1.
Variant type: single nucleotide variant.
Coding change: c.496+13A>G on transcript NM_153676.4 (MANE Select); 13 bases into the intron after coding-DNA position 496, A replaced by G.
Molecular consequence: intron variant.
Genome position (GRCh38, 1-based): chr11:17,527,210, T>C on the plus strand (A>G on the coding strand, the complement: USH1C is on the minus strand). VCF-style: chr11-17527210-T-C. GRCh37 (hg19) VCF-style: chr11-17548757-T-C.
Other names: c.496+13A>G (NM_001297764.2, NM_005709.4).
Identifiers: ClinVar variation 48016 (VCV000048016.13), dbSNP rs111033277, ClinGen allele CA142383.
Genomic context (GRCh38, chr11:17,527,210, plus strand): 5'-AGTACTGCCCTGCTCCCCCGCCCTCCCTCCCTCCCACCGTCATGGAGTACTGCCCTGCTC[T>C]GGCCTCACTCACGTCTCACTTTGATGGACACAGTTTTCTTGGTTCGAATGAGGTTGATGA-3'

ClinVar aggregate classification (germline): Benign/Likely benign. Review status: criteria provided, multiple submitters, no conflicts (2 of 4 stars). 2 submissions from 2 submitters: Benign (1); Likely benign (1). Last evaluated 2026-02-02.

Submissions (2):

Labcorp Genetics (formerly Invitae), Labcorp
Classification: Likely benign. Last evaluated: 2026-02-02. Review status: criteria provided, single submitter. Criteria: Invitae Variant Classification Sherloc (09022015). Collection method: clinical testing. Allele origin: germline.

Laboratory for Molecular Medicine, Mass General Brigham Personalized Medicine
Classification: Benign. Last evaluated: 2011-06-27. Review status: criteria provided, single submitter. Criteria: LMM Criteria. Collection method: clinical testing. Allele origin: germline. Observed: 9 variant alleles.
Comment: c.496+13A>G in intron 5 of USH1C: This variant is not expected to have clinical significance because it is not located in the conserved region of the splicing c onsensus sequence. Furthermore, this variant is present in over 1% of cases.